The following is an entry in ClinVar:

NM_031935.3(HMCN1):c.9941C>T (p.Thr3314Met)

Gene: HMCN1 (hemicentin 1; plus strand). Cytogenetic location: 1q31.1.
Variant type: single nucleotide variant.
Coding change: c.9941C>T on transcript NM_031935.3 (MANE Select); coding-DNA position 9941, C replaced by T.
Protein change: p.Thr3314Met; replaces threonine 3314 with methionine.
Molecular consequence: missense variant.
Genome position (GRCh38, 1-based): chr1:186,093,187, C>T. VCF-style: chr1-186093187-C-T. GRCh37 (hg19) VCF-style: chr1-186062319-C-T.
Other names: short protein forms T3314M.
Identifiers: ClinVar variation 874819 (VCV000874819.9), dbSNP rs367681878, ClinGen allele CA1293594.
Genomic context (GRCh38, chr1:186,093,187, plus strand): 5'-TCCGTAGAGTGAGTGCAAATGGCAGCACATTAAACATTTATGGAGCTCTTACATCTGACA[C>T]GGGGAAATACACATGTGTTGCTACTAATCCCGCTGGAGAAGAAGACCGAATTTTTAACTT-3'
Protein context (NP_114141.2, residues 3304-3324): LNIYGALTSD[Thr3314Met]GKYTCVATNP

ClinVar aggregate classification (germline): Conflicting classifications of pathogenicity. Review status: criteria provided, conflicting classifications (1 of 4 stars). 3 submissions from 3 submitters: Uncertain significance (2); Likely benign (1). Last evaluated 2025-04-17.

Conditions:
Age related macular degeneration 1 (ARMD1). Also called: MACULOPATHY, AGE-RELATED, 1. Identifiers: MedGen C1864205, MONDO:0011285, OMIM 603075.

Allele frequency attached by ClinVar (database versions not stated): ExAC 0.00002; gnomAD exomes 0.00002 and 0.00003; TOPMed 0.00003; gnomAD 0.00004; ESP Exome Variant Server 0.00008.
gnomAD v4.1: 36 of 1,613,114 alleles (0.0022%); highest among the groups gnomAD compares: Non-Finnish European, 0.0026%; no homozygotes.

Submissions (3):

Labcorp Genetics (formerly Invitae), Labcorp
Classification: Uncertain significance. Last evaluated: 2025-04-17. Review status: criteria provided, single submitter. Criteria: Invitae Variant Classification Sherloc (09022015). Collection method: clinical testing. Allele origin: germline.
Comment: This sequence change replaces threonine, which is neutral and polar, with methionine, which is neutral and non-polar, at codon 3314 of the HMCN1 protein (p.Thr3314Met). This variant is present in population databases (rs367681878, gnomAD 0.006%). This variant has not been reported in the literature in individuals affected with HMCN1-related conditions. ClinVar contains an entry for this variant (Variation ID: 874819). An algorithm developed to predict the effect of missense changes on protein structure and function outputs the following: PolyPhen-2: "Benign". The methionine amino acid residue is found in multiple mammalian species, which suggests that this missense change does not adversely affect protein function. In summary, the available evidence is currently insufficient to determine the role of this variant in disease. Therefore, it has been classified as a Variant of Uncertain Significance.

Ambry Genetics
Classification: Likely benign. Last evaluated: 2022-08-17. Review status: criteria provided, single submitter. Criteria: Ambry Variant Classification Scheme 2023. Collection method: clinical testing. Allele origin: germline.

Illumina Laboratory Services, Illumina
Classification: Uncertain significance for Age related macular degeneration 1. Last evaluated: 2018-01-13. Review status: criteria provided, single submitter. Criteria: ICSL Variant Classification Criteria 13 December 2019. Collection method: clinical testing. Allele origin: germline.